The following is an entry in ClinVar:

NM_014363.6(SACS):c.1033C>T (p.Arg345Trp)

Gene: SACS (sacsin molecular chaperone; minus strand). Cytogenetic location: 13q12.12.
Variant type: single nucleotide variant.
Coding change: c.1033C>T on transcript NM_014363.6 (MANE Select); coding-DNA position 1033, C replaced by T.
Protein change: p.Arg345Trp; replaces arginine 345 with tryptophan.
Molecular consequence: missense variant.
Genome position (GRCh38, 1-based): chr13:23,355,579, G>A on the plus strand (C>T on the coding strand, the complement: SACS is on the minus strand). VCF-style: chr13-23355579-G-A. GRCh37 (hg19) VCF-style: chr13-23929718-G-A.
Other names: c.592C>T, p.Arg198Trp (NM_001278055.2); short protein forms R345W, R198W.
Identifiers: ClinVar variation 411689 (VCV000411689.17), dbSNP rs776156836, ClinGen allele CA6911986.
Genomic context (GRCh38, chr13:23,355,579, plus strand): 5'-TTGGAGTCTTTTTACAATAGTTACTTATAGCAGTTCCCAGAATCTTTATAGAATTCGGCC[G>A]CTCATGTTTCAGTGCCTTACTCTCACTCGAAGTCACTCTAAACACCAGTTTCTCTGTTCC-3'
Protein context (NP_055178.3, residues 335-355): SSESKALKHE[Arg345Trp]PNSIKILGTA

ClinVar aggregate classification (germline): Conflicting classifications of pathogenicity. Review status: criteria provided, conflicting classifications (1 of 4 stars). 8 submissions from 8 submitters: Uncertain significance (6); Benign (1). 1 of the submissions does not count toward it. Last evaluated 2026-01-20.

Conditions:
Inborn genetic diseases. Identifiers: MedGen C0950123, MeSH D030342.
Spastic paraplegia. Identifiers: MedGen C0037772, HP:0001258.
Charlevoix-Saguenay spastic ataxia (SACS). Also called: SPASTIC ATAXIA 6, AUTOSOMAL RECESSIVE; AUTOSOMAL RECESSIVE SPASTIC ATAXIA OF CHARLEVOIX-SAGUENAY; Spastic ataxia of Charlevoix-Saguenay. Identifiers: Orphanet 98, MedGen C1849140, MONDO:0010041, OMIM 270550.

Allele frequency attached by ClinVar (database versions not stated): gnomAD exomes 0.00013 and 0.00006; TOPMed 0.00016; ExAC 0.00007; gnomAD 0.00010 and 0.00011.
gnomAD v4.1: 203 of 1,613,958 alleles (0.013%); highest among the groups gnomAD compares: Admixed American, 0.017%; no homozygotes.

Submissions (8):

GeneDx
Classification: Uncertain significance. Last evaluated: 2026-01-20. Review status: criteria provided, single submitter. Criteria: GeneDx Variant Classification Process June 2021. Collection method: clinical testing. Allele origin: germline. Affected: yes.
Comment: In silico analysis suggests that this missense variant does not alter protein structure/function; Has not been previously published as pathogenic or benign to our knowledge

Labcorp Genetics (formerly Invitae), Labcorp
Classification: Benign for Spastic paraplegia. Last evaluated: 2025-02-18. Review status: criteria provided, single submitter. Criteria: Invitae Variant Classification Sherloc (09022015). Collection method: clinical testing. Allele origin: germline.

Women's Health and Genetics/Laboratory Corporation of America, LabCorp
Classification: Uncertain significance. Last evaluated: 2024-11-29. Review status: criteria provided, single submitter. Criteria: LabCorp Variant Classification Summary - May 2015. Collection method: clinical testing. Allele origin: germline.
Comment: Variant summary: SACS c.1033C>T (p.Arg345Trp) results in a non-conservative amino acid change in the encoded protein sequence. Five of five in-silico tools predict a damaging effect of the variant on protein function. The variant allele was found at a frequency of 6e-05 in 251392 control chromosomes. This frequency is not significantly higher than estimated for a pathogenic variant in SACS causing Charlevoix-Saguenay spastic ataxia, allowing no conclusion about variant significance. To our knowledge, no occurrence of c.1033C>T in individuals affected with Charlevoix-Saguenay spastic ataxia and no experimental evidence demonstrating its impact on protein function have been reported. ClinVar contains an entry for this variant (Variation ID: 411689). Based on the evidence outlined above, the variant was classified as uncertain significance.

Revvity Omics, Revvity
Classification: Uncertain significance for Charlevoix-Saguenay spastic ataxia. Last evaluated: 2024-06-04. Review status: criteria provided, single submitter. Criteria: ACMG Guidelines, 2015. Collection method: clinical testing. Allele origin: germline.

Ambry Genetics
Classification: Uncertain significance for Inborn genetic diseases. Last evaluated: 2023-09-26. Review status: criteria provided, single submitter. Criteria: Ambry Variant Classification Scheme 2023. Collection method: clinical testing. Allele origin: germline.
Comment: The c.1033C>T (p.R345W) alteration is located in exon 8 (coding exon 7) of the SACS gene. This alteration results from a C to T substitution at nucleotide position 1033, causing the arginine (R) at amino acid position 345 to be replaced by a tryptophan (W). Based on data from gnomAD, the T allele has an overall frequency of 0.006% (15/251392) total alleles studied. The highest observed frequency was 0.02% (6/30612) of South Asian alleles. This amino acid position is well conserved in available vertebrate species. This alteration is predicted to be deleterious by in silico analysis. Based on insufficient or conflicting evidence, the clinical significance of this alteration remains unclear.

Genome-Nilou Lab
Classification: Uncertain significance for Charlevoix-Saguenay spastic ataxia. Last evaluated: 2021-09-05. Review status: criteria provided, single submitter. Criteria: ACMG Guidelines, 2015. Collection method: clinical testing. Allele origin: germline. Affected: no.

New York Genome Center
Classification: Uncertain significance for Charlevoix-Saguenay spastic ataxia. Last evaluated: 2021-09-03. Review status: criteria provided, single submitter. Criteria: NYGC Assertion Criteria 2020. Collection method: clinical testing. Allele origin: germline. Observed: 1 variant allele. Study: CSER-NYCKidSeq.
Comment: The c.1033C>T (p.Arg345Trp) variant identified in the SACS gene substitutes a well conserved Arginine for Tryptophan at amino acid 345/4580 (exon 8/10). This variant is found with low frequency in gnomAD(v3.1.1)(16 heterozygotes, 0 homozygotes; allele frequency: 1.05e-5) suggesting it is not a common benign variant in the populations represented in that database. In silico algorithms predict this variant to be Damaging (SIFT; score:0.001) and Pathogenic (REVEL;score:0.6349) to the function of the canonical transcript. This variant is reported as a Variant of Uncertain Significance in ClinVar (VarID:411689), and to our current knowledge has not been reported in affected individuals in the literature. The p.Arg345 residue is not within a mapped domain of SACS (UniProtKB:Q9NZJ4). Given the lack of compelling evidence for its pathogenicity, the c.1033C>T (p.Arg345Trp) variant identified in the SACS gene is reported as a Variant of Uncertain Significance.

Natera, Inc.
Classification: Uncertain significance for Charlevoix-Saguenay type spastic ataxia. Last evaluated: 2020-09-16. Review status: no assertion criteria provided. Collection method: clinical testing. Allele origin: germline. Not counted in ClinVar's aggregate classification.